The following is an entry in ClinVar:

ClinVar aggregate classification (germline): Conflicting classifications of pathogenicity. Review status: criteria provided, conflicting classifications (1 of 4 stars). 2 submissions from 2 submitters: Uncertain significance (1); Likely benign (1). Last evaluated 2025-08-15.

Conditions:
Hereditary cancer-predisposing syndrome. Also called: Neoplastic Syndromes, Hereditary; Hereditary Cancer Syndrome; Tumor predisposition; Hereditary neoplastic syndrome. Identifiers: Orphanet 140162, MedGen C0027672, MeSH D009386, MONDO:0015356.

Submissions (2):

Ambry Genetics
Classification: Uncertain significance for Hereditary cancer-predisposing syndrome. Last evaluated: 2025-08-15. Review status: criteria provided, single submitter. Criteria: Ambry Variant Classification Scheme 2023. Collection method: clinical testing. Allele origin: germline.
Comment: The c.987-4G>T intronic variant results from a G to T substitution 4 nucleotides upstream from coding exon 8 in the SMARCB1 gene. This variant has been detected in multiple individuals with no reported features of Coffin-Siris syndrome (Ambry internal data). This nucleotide position is poorly conserved in available vertebrate species. In silico splice site analysis predicts that this alteration will result in the creation or strengthening of a novel splice acceptor site. RNA studies have demonstrated that this alteration results in an incomplete splice defect; the clinical impact of this abnormal splicing is unknown at this time (Ambry internal data). Based on the supporting evidence, the association of this alteration with rhabdoid tumor predisposition syndrome is unknown; however, the association of this alteration with Coffin-Siris syndrome is unlikely.

Labcorp Genetics (formerly Invitae), Labcorp
Classification: Likely benign. Last evaluated: 2024-07-24. Review status: criteria provided, single submitter. Criteria: Invitae Variant Classification Sherloc (09022015). Collection method: clinical testing. Allele origin: germline.

NM_003073.5(SMARCB1):c.987-4G>T

Gene: SMARCB1 (SWI/SNF related BAF chromatin remodeling complex subunit B1; plus strand). Cytogenetic location: 22q11.23.
Variant type: single nucleotide variant.
Coding change: c.987-4G>T on transcript NM_003073.5 (MANE Select); 4 bases into the intron before coding-DNA position 987, G replaced by T.
Molecular consequence: intron variant.
Genome position (GRCh38, 1-based): chr22:23,833,568, G>T. VCF-style: chr22-23833568-G-T. GRCh37 (hg19) VCF-style: chr22-24175755-G-T.
Other names: c.1041-4G>T (NM_001362877.2); c.1014-4G>T (NM_001317946.2); c.960-4G>T (NM_001007468.3).
Identifiers: ClinVar variation 1131822 (VCV001131822.13), dbSNP rs745773662, ClinGen allele CA322582141.